The following is an entry in ClinVar:

ClinVar aggregate classification (germline): Benign. Review status: criteria provided, single submitter (1 of 4 stars). 2 submissions from 2 submitters: Benign (1). 1 of the submissions does not count toward it. Last evaluated 2024-11-10.

Conditions:
NCSTN-related disorder. Also called: NCSTN-related condition.

Allele frequency attached by ClinVar (database versions not stated): TOPMed 0.00002.
gnomAD v4.1: 18 of 1,611,132 alleles (0.0011%); highest among the groups gnomAD compares: Admixed American, 0.03%; no homozygotes.

Submissions (2):

Labcorp Genetics (formerly Invitae), Labcorp
Classification: Benign. Last evaluated: 2024-11-10. Review status: criteria provided, single submitter. Criteria: Invitae Variant Classification Sherloc (09022015). Collection method: clinical testing. Allele origin: germline.

PreventionGenetics, part of Exact Sciences
Classification: Likely benign for NCSTN-related condition. Last evaluated: 2019-11-27. Review status: no assertion criteria provided. Collection method: clinical testing. Allele origin: germline. Not counted in ClinVar's aggregate classification.
Comment: This variant is classified as likely benign based on ACMG/AMP sequence variant interpretation guidelines (Richards et al. 2015 PMID: 25741868, with internal and published modifications).

NM_015331.3(NCSTN):c.1353-4G>C

Gene: NCSTN (nicastrin; plus strand). Cytogenetic location: 1q23.2.
Variant type: single nucleotide variant.
Coding change: c.1353-4G>C on transcript NM_015331.3 (MANE Select); 4 bases into the intron before coding-DNA position 1353, G replaced by C.
Molecular consequence: intron variant.
Genome position (GRCh38, 1-based): chr1:160,355,651, G>C. VCF-style: chr1-160355651-G-C. GRCh37 (hg19) VCF-style: chr1-160325441-G-C.
Other names: c.1353-4G>C (NM_015331.2, NM_001349729.2); c.1293-4G>C (NM_001290184.2); c.939-4G>C (NM_001290186.2).
Identifiers: ClinVar variation 1599587 (VCV001599587.10), dbSNP rs770960968, ClinGen allele CA1198986.